The following is an entry in ClinVar:

ClinVar aggregate classification (germline): Benign/Likely benign. Review status: criteria provided, multiple submitters, no conflicts (2 of 4 stars). 2 submissions from 2 submitters: Benign (1); Likely benign (1). Last evaluated 2018-06-26.

Conditions:
Pseudohypoaldosteronism type 2C (PHA2C). Also called: Pseudohypoaldosteronism Type IIC. Identifiers: Orphanet 757, Orphanet 88940, MedGen C1840391, MONDO:0013778, OMIM 614492.

Allele frequency attached by ClinVar (database versions not stated): 1000 Genomes Project 0.00120; 1000 Genomes Project 30x 0.00219; TOPMed 0.00677; gnomAD 0.00818 and 0.00854.
gnomAD v4.1: 2,839 of 316,272 alleles (0.9%); highest among the groups gnomAD compares: Non-Finnish European, 1.2%; 20 homozygotes.

Submissions (2):

GeneDx
Classification: Likely benign. Last evaluated: 2018-06-26. Review status: criteria provided, single submitter. Criteria: GeneDx Variant Classification Process June 2021. Collection method: clinical testing. Allele origin: germline. Affected: yes.

Illumina Laboratory Services, Illumina
Classification: Benign for Pseudohypoaldosteronism type 2C. Last evaluated: 2018-01-13. Review status: criteria provided, single submitter. Criteria: ICSL Variant Classification Criteria 13 December 2019. Collection method: clinical testing. Allele origin: germline.
Comment: This variant was observed in the ICSL laboratory as part of a predisposition screen in an ostensibly healthy population. It had not been previously curated by ICSL or reported in the Human Gene Mutation Database (HGMD: prior to June 1st, 2018), and was therefore a candidate for classification through an automated scoring system. Utilizing variant allele frequency, disease prevalence and penetrance estimates, and inheritance mode, an automated score was calculated to assess if this variant is too frequent to cause the disease. Based on the score and internal cut-off values, a variant classified as benign is not then subjected to further curation. The score for this variant resulted in a classification of benign for this disease.

NM_018979.4(WNK1):c.-328C>G

Gene: WNK1 (WNK lysine deficient protein kinase 1; plus strand). Cytogenetic location: 12p13.33.
Variant type: single nucleotide variant.
Coding change: c.-328C>G on transcript NM_018979.4 (MANE Select); 328 bases upstream of the start codon, C replaced by G.
Molecular consequence: 5 prime UTR variant.
Genome position (GRCh38, 1-based): chr12:753,238, C>G. VCF-style: chr12-753238-C-G. GRCh37 (hg19) VCF-style: chr12-862404-C-G.
Other names: c.-328C>G (NM_001184985.2, NM_014823.3, NM_213655.5).
Identifiers: ClinVar variation 310522 (VCV000310522.8), dbSNP rs189463195, ClinGen allele CA10643373.